The following is an entry in ClinVar:

NM_000062.2(SERPING1):c.-96A>C

Gene: SERPING1 (serpin family G member 1; plus strand). Cytogenetic location: 11q12.1.
Variant type: single nucleotide variant.
Coding change: c.-96A>C on transcript NM_000062.2; 96 bases upstream of the start codon, A replaced by C.
Genome position (GRCh38, 1-based): chr11:57,597,649, A>C. VCF-style: chr11-57597649-A-C. GRCh37 (hg19) VCF-style: chr11-57365122-A-C.
Identifiers: ClinVar variation 3034653 (VCV003034653.2), dbSNP rs1590820881, ClinGen allele CA938323630.

ClinVar aggregate classification (germline): Likely benign (0 of 4 stars; one submission).

Conditions:
SERPING1-related disorder. Also called: SERPING1-related condition.

Submission:

PreventionGenetics, part of Exact Sciences
Classification: Likely benign for SERPING1-related condition. Last evaluated: 2019-07-26. Review status: no assertion criteria provided. Collection method: clinical testing. Allele origin: germline.
Comment: This variant is classified as likely benign based on ACMG/AMP sequence variant interpretation guidelines (Richards et al. 2015 PMID: 25741868, with internal and published modifications).